The following is an entry in ClinVar:

ClinVar aggregate classification (germline): Uncertain significance (0 of 4 stars; one submission).

Conditions:
PEX1-related disorder. Also called: PEX1-related condition.

Submission:

PreventionGenetics, part of Exact Sciences
Classification: Uncertain significance for PEX1-related condition. Last evaluated: 2024-04-19. Review status: no assertion criteria provided. Collection method: clinical testing. Allele origin: germline.
Comment: The PEX1 c.70G>A variant is predicted to result in the amino acid substitution p.Ala24Thr. To our knowledge, this variant has not been reported in the literature or in a large population database, indicating this variant is rare. At this time, the clinical significance of this variant is uncertain due to the absence of conclusive functional and genetic evidence.

NM_000466.3(PEX1):c.70G>A (p.Ala24Thr)

Genes: PEX1 (peroxisomal biogenesis factor 1; minus strand), LOC129998796 (ATAC-STARR-seq lymphoblastoid silent region 18372; plus strand). Cytogenetic location: 7q21.2.
Variant type: single nucleotide variant.
Coding change: c.70G>A on transcript NM_000466.3 (MANE Select); coding-DNA position 70, G replaced by A.
Protein change: p.Ala24Thr; replaces alanine 24 with threonine.
Molecular consequence: missense variant. On other transcripts: 5 prime UTR variant (1).
Genome position (GRCh38, 1-based): chr7:92,528,366, C>T on the plus strand (G>A on the coding strand, the complement: PEX1 is on the minus strand). VCF-style: chr7-92528366-C-T. GRCh37 (hg19) VCF-style: chr7-92157680-C-T.
Other names: c.70G>A, p.Ala24Thr (NM_001282677.2); c.-590G>A (NM_001282678.2); short protein forms A24T.
Identifiers: ClinVar variation 3344573 (VCV003344573.1).
Genomic context (GRCh38, chr7:92,528,366, plus strand): 5'-CCTGCAGCAGATGCAGCTGGGCCACGAGACGCCGCGGCAGGTGGAGGAAGCAGTCGCGAG[C>T]GTTGGTGAAGGCCACAGTCACTGCCGCCCCGCCTCCCCCAGCACCCGCCAGGCGATCGCT-3'
Protein context (NP_000457.1, residues 14-34): GAAVTVAFTN[Ala24Thr]RDCFLHLPRR